The following is an entry in ClinVar:

ClinVar aggregate classification (germline): Uncertain significance (1 of 4 stars; one submission).

Conditions:
Hereditary cancer-predisposing syndrome. Also called: Hereditary neoplastic syndrome; Hereditary Cancer Syndrome; Neoplastic Syndromes, Hereditary; Tumor predisposition. Identifiers: Orphanet 140162, MedGen C0027672, MeSH D009386, MONDO:0015356.

Allele frequency attached by ClinVar (database versions not stated): gnomAD exomes below 0.00001.
gnomAD v4.1: 1 of 1,613,906 alleles (0.000062%); highest among the groups gnomAD compares: Non-Finnish European, 0.000085%; no homozygotes.

Submission:

Color Diagnostics, LLC DBA Color Health
Classification: Uncertain significance for Hereditary cancer-predisposing syndrome. Last evaluated: 2023-06-20. Review status: criteria provided, single submitter. Criteria: ACMG Guidelines, 2015. Collection method: clinical testing. Allele origin: germline.
Comment: This variant causes an T to G nucleotide substitution at the -10 position in the 5' untranslated region in the RAD51C gene. To our knowledge, functional studies have not been reported for this variant. This variant has not been reported in individuals affected with RAD51C-related disorders in the literature. This variant has not been identified in the general population by the Genome Aggregation Database (gnomAD). The available evidence is insufficient to determine the role of this variant in disease conclusively. Therefore, this variant is classified as a Variant of Uncertain Significance.

NM_058216.3(RAD51C):c.-10T>G

Gene: RAD51C (RAD51 paralog C; plus strand). Cytogenetic location: 17q22.
Variant type: single nucleotide variant.
Coding change: c.-10T>G on transcript NM_058216.3 (MANE Select); 10 bases upstream of the start codon, T replaced by G.
Molecular consequence: 5 prime UTR variant. On other transcripts: non-coding transcript variant (2).
Genome position (GRCh38, 1-based): chr17:58,692,634, T>G. VCF-style: chr17-58692634-T-G. GRCh37 (hg19) VCF-style: chr17-56769995-T-G.
Other names: c.-10T>G (NM_002876.4, NM_058217.1).
Identifiers: ClinVar variation 2774187 (VCV002774187.2), dbSNP rs1598448335, ClinGen allele CA2267813962.